The following is an entry in ClinVar:

NM_001364171.2(ODAD1):c.988+11C>A

Gene: ODAD1 (outer dynein arm docking complex subunit 1; minus strand). Cytogenetic location: 19q13.33.
Variant type: single nucleotide variant.
Coding change: c.988+11C>A on transcript NM_001364171.2 (MANE Select); 11 bases into the intron after coding-DNA position 988, C replaced by A.
Molecular consequence: intron variant.
Genome position (GRCh38, 1-based): chr19:48,303,639, G>T on the plus strand (C>A on the coding strand, the complement: ODAD1 is on the minus strand). VCF-style: chr19-48303639-G-T. GRCh37 (hg19) VCF-style: chr19-48806896-G-T.
Other names: c.877+11C>A (NM_144577.4).
Identifiers: ClinVar variation 262508 (VCV000262508.12), dbSNP rs112569880, ClinGen allele CA9548892.

ClinVar aggregate classification (germline): Benign/Likely benign. Review status: criteria provided, multiple submitters, no conflicts (2 of 4 stars). 3 submissions from 3 submitters: Benign (2); Likely benign (1). Last evaluated 2026-02-01.

Conditions:
Primary ciliary dyskinesia. Also called: Ciliary dyskinesia. Identifiers: Orphanet 244, MedGen C0008780, MONDO:0016575, HP:0012265.

Allele frequency attached by ClinVar (database versions not stated): gnomAD exomes 0.00195; ExAC 0.00251; gnomAD 0.00708 and 0.00763; TOPMed 0.00752; 1000 Genomes Project 0.00799; 1000 Genomes Project 30x 0.00843; ESP Exome Variant Server 0.00869.

Submissions (3):

Labcorp Genetics (formerly Invitae), Labcorp
Classification: Benign for Primary ciliary dyskinesia. Last evaluated: 2026-02-01. Review status: criteria provided, single submitter. Criteria: Invitae Variant Classification Sherloc (09022015). Collection method: clinical testing. Allele origin: germline.

GeneDx
Classification: Likely benign. Last evaluated: 2021-02-19. Review status: criteria provided, single submitter. Criteria: GeneDx Variant Classification Process June 2021. Collection method: clinical testing. Allele origin: germline. Affected: yes.
Comment: See Variant Classification Assertion Criteria.

PreventionGenetics, part of Exact Sciences
Classification: Benign. Review status: criteria provided, single submitter. Criteria: ACMG Guidelines, 2015. Collection method: clinical testing. Allele origin: germline.